The following is an entry in ClinVar:

NM_024642.5(GALNT12):c.389A>T (p.Tyr130Phe)

Gene: GALNT12 (polypeptide N-acetylgalactosaminyltransferase 12; plus strand). Cytogenetic location: 9q22.33.
Variant type: single nucleotide variant.
Coding change: c.389A>T on transcript NM_024642.5 (MANE Select); coding-DNA position 389, A replaced by T.
Protein change: p.Tyr130Phe; replaces tyrosine 130 with phenylalanine.
Molecular consequence: missense variant.
Genome position (GRCh38, 1-based): chr9:98,823,273, A>T. VCF-style: chr9-98823273-A-T. GRCh37 (hg19) VCF-style: chr9-101585555-A-T.
Other names: c.389A>T (NM_024642.4); short protein forms Y130F.
Identifiers: ClinVar variation 999467 (VCV000999467.10), dbSNP rs1183648101, ClinGen allele CA374216504.
Genomic context (GRCh38, chr9:98,823,273, plus strand): 5'-CTGGGCTAGATCCTGAGTTCCTGAAGTTCCGCTGTATTTGCAGGTGCAAAGAGAAGAAAT[A>T]TGATTATGATAATTTGCCCAGGACATCTGTTATCATAGCATTTTATAATGAAGCCTGGTC-3'
Protein context (NP_078918.3, residues 120-140): RWNPLCKEKK[Tyr130Phe]DYDNLPRTSV

ClinVar aggregate classification (germline): Uncertain significance. Review status: criteria provided, multiple submitters, no conflicts (2 of 4 stars). 2 submissions from 2 submitters: Uncertain significance (2). Last evaluated 2025-12-15.

Allele frequency attached by ClinVar (database versions not stated): gnomAD 0.00001; gnomAD exomes 0.00001 and 0.00002; TOPMed 0.00001.
gnomAD v4.1: 5 of 1,614,084 alleles (0.00031%); highest among the groups gnomAD compares: East Asian, 0.011%; no homozygotes.

Submissions (2):

Labcorp Genetics (formerly Invitae), Labcorp
Classification: Uncertain significance. Last evaluated: 2025-12-15. Review status: criteria provided, single submitter. Criteria: Invitae Variant Classification Sherloc (09022015). Collection method: clinical testing. Allele origin: germline.
Comment: This sequence change replaces tyrosine, which is neutral and polar, with phenylalanine, which is neutral and non-polar, at codon 130 of the GALNT12 protein (p.Tyr130Phe). This variant is present in population databases (no rsID available, gnomAD 0.03%). This variant has not been reported in the literature in individuals affected with GALNT12-related conditions. ClinVar contains an entry for this variant (Variation ID: 999467). Invitae Evidence Modeling of protein sequence and biophysical properties (such as structural, functional, and spatial information, amino acid conservation, physicochemical variation, residue mobility, and thermodynamic stability) indicates that this missense variant is not expected to disrupt GALNT12 protein function with a negative predictive value of 80%. In summary, the available evidence is currently insufficient to determine the role of this variant in disease. Therefore, it has been classified as a Variant of Uncertain Significance.

Ambry Genetics
Classification: Uncertain significance. Last evaluated: 2025-10-25. Review status: criteria provided, single submitter. Criteria: Ambry Variant Classification Scheme 2023. Collection method: clinical testing. Allele origin: germline.
Comment: The p.Y130F variant (also known as c.389A>T), located in coding exon 2 of the GALNT12 gene, results from an A to T substitution at nucleotide position 389. The tyrosine at codon 130 is replaced by phenylalanine, an amino acid with highly similar properties. This amino acid position is conserved. In addition, the in silico prediction for this alteration is inconclusive. Since supporting evidence is limited at this time, the clinical significance of this alteration remains unclear.